The following is an entry in ClinVar:

ClinVar aggregate classification (germline): Uncertain significance (1 of 4 stars; one submission).

Submission:

Labcorp Genetics (formerly Invitae), Labcorp
Classification: Uncertain significance. Last evaluated: 2022-07-23. Review status: criteria provided, single submitter. Criteria: Invitae Variant Classification Sherloc (09022015). Collection method: clinical testing. Allele origin: germline.
Comment: In summary, the available evidence is currently insufficient to determine the role of this variant in disease. Therefore, it has been classified as a Variant of Uncertain Significance. Algorithms developed to predict the effect of missense changes on protein structure and function are either unavailable or do not agree on the potential impact of this missense change (SIFT: "Not Available"; PolyPhen-2: "Possibly Damaging"; Align-GVGD: "Not Available"). This variant has not been reported in the literature in individuals affected with LCT-related conditions. This variant is not present in population databases (gnomAD no frequency). This sequence change replaces aspartic acid, which is acidic and polar, with glycine, which is neutral and non-polar, at codon 1266 of the LCT protein (p.Asp1266Gly).

NM_002299.4(LCT):c.3797A>G (p.Asp1266Gly)

Gene: LCT (lactase; minus strand). Cytogenetic location: 2q21.3.
Variant type: single nucleotide variant.
Coding change: c.3797A>G on transcript NM_002299.4 (MANE Select); coding-DNA position 3797, A replaced by G.
Protein change: p.Asp1266Gly; replaces aspartic acid 1266 with glycine.
Molecular consequence: missense variant.
Genome position (GRCh38, 1-based): chr2:135,808,550, T>C on the plus strand (A>G on the coding strand, the complement: LCT is on the minus strand). VCF-style: chr2-135808550-T-C. GRCh37 (hg19) VCF-style: chr2-136566120-T-C.
Other names: short protein forms D1266G.
Identifiers: ClinVar variation 1713472 (VCV001713472.5), dbSNP rs2467216523, ClinGen allele CA348598489.
Genomic context (GRCh38, chr2:135,808,550, plus strand): 5'-GTATCCTCCGTGTTCGGATTGGTCAGCCCCACTCCGTTTTCGGTGATGTAAATGGGGATG[T>C]CACCATACTCTTCCTTGATCCAGTTCAGCAGCCTTCGCGTCCCCCAGGGCGCAGCTCTGT-3'
Protein context (NP_002290.2, residues 1256-1276): LLNWIKEEYG[Asp1266Gly]IPIYITENGV